The following is an entry in ClinVar:

ClinVar aggregate classification (germline): Uncertain significance. Review status: criteria provided, multiple submitters, no conflicts (2 of 4 stars). 5 submissions from 5 submitters: Uncertain significance (5). Last evaluated 2025-07-14.

Conditions:
Inborn genetic diseases. Identifiers: MedGen C0950123, MeSH D030342.
PLEC-related disorder. Also called: PLEC-related disorders; PLEC-related condition.
Autosomal recessive limb-girdle muscular dystrophy type 2Q (LGMDR17). Also called: MUSCULAR DYSTROPHY, LIMB-GIRDLE, AUTOSOMAL RECESSIVE 17. Identifiers: Orphanet 254361, MedGen C3150989, MONDO:0013390, OMIM 613723.
Epidermolysis bullosa simplex 5B, with muscular dystrophy (EBS5B). Also called: EPIDERMOLYSIS BULLOSA SIMPLEX AND LIMB-GIRDLE MUSCULAR DYSTROPHY; Epidermolysis bullosa simplex with muscular dystrophy. Identifiers: Orphanet 257, MedGen C2931072, MONDO:0009181, OMIM 226670.
Epidermolysis bullosa simplex, Ogna type (EBS5A). Also called: Pidermolysis bullosa simplex 5A, Ogna type; EPIDERMOLYSIS BULLOSA SIMPLEX 5A, OGNA TYPE. Identifiers: Orphanet 79401, MedGen C0432317, MONDO:0007555, OMIM 131950.
Epidermolysis bullosa simplex 5C, with pyloric atresia (EBS5C). Also called: PLEC-Related Epidermolysis Bullosa with Pyloric Atresia; Epidermolysis bullosa simplex with pyloric atresia; PLEC1-Related Epidermolysis Bullosa with Pyloric Atresia. Identifiers: Orphanet 158684, MedGen C2677349, MONDO:0012807, OMIM 612138.
Epidermolysis bullosa simplex with nail dystrophy (EBS5D). Identifiers: MedGen C4225309, MONDO:0014661, OMIM 616487.

Allele frequency attached by ClinVar (database versions not stated): gnomAD exomes 0.00002; ExAC 0.00004; gnomAD 0.00004; TOPMed 0.00006; 1000 Genomes Project 30x 0.00016.
gnomAD v4.1: 38 of 1,583,522 alleles (0.0024%); highest among the groups gnomAD compares: East Asian, 0.034%; no homozygotes.

Submissions (5):

PreventionGenetics, part of Exact Sciences
Classification: Uncertain significance for PLEC-related condition. Last evaluated: 2025-07-14. Review status: criteria provided, single submitter. Criteria: ACMG Guidelines, 2015. Collection method: clinical testing. Allele origin: germline.
Comment: The PLEC c.2623G>A variant is predicted to result in the amino acid substitution p.Glu875Lys. To our knowledge, this variant has not been reported in the literature. This variant is reported in 0.0090% of alleles in individuals of European (Finnish) descent in gnomAD. At this time, the clinical significance of this variant is uncertain due to the absence of conclusive functional and genetic evidence.

Labcorp Genetics (formerly Invitae), Labcorp
Classification: Uncertain significance for Autosomal recessive limb-girdle muscular dystrophy type 2Q; Epidermolysis bullosa simplex, Ogna type; Epidermolysis bullosa simplex with nail dystrophy; Epidermolysis bullosa simplex 5C, with pyloric atresia; Epidermolysis bullosa simplex 5B, with muscular dystrophy. Last evaluated: 2025-04-11. Review status: criteria provided, single submitter. Criteria: Invitae Variant Classification Sherloc (09022015). Collection method: clinical testing. Allele origin: germline.
Comment: This sequence change replaces glutamic acid, which is acidic and polar, with lysine, which is basic and polar, at codon 875 of the PLEC protein (p.Glu875Lys). The frequency data for this variant in the population databases is considered unreliable, as metrics indicate poor data quality at this position in the gnomAD database. This variant has not been reported in the literature in individuals affected with PLEC-related conditions. ClinVar contains an entry for this variant (Variation ID: 569302). An algorithm developed to predict the effect of missense changes on protein structure and function outputs the following: PolyPhen-2: "Not Available". The lysine amino acid residue is found in multiple mammalian species, which suggests that this missense change does not adversely affect protein function. In summary, the available evidence is currently insufficient to determine the role of this variant in disease. Therefore, it has been classified as a Variant of Uncertain Significance.

Ambry Genetics
Classification: Uncertain significance for Inborn genetic diseases. Last evaluated: 2025-03-05. Review status: criteria provided, single submitter. Criteria: Ambry Variant Classification Scheme 2023. Collection method: clinical testing. Allele origin: germline.

Revvity Omics, Revvity
Classification: Uncertain significance. Last evaluated: 2020-01-13. Review status: criteria provided, single submitter. Criteria: ACMG Guidelines, 2015. Collection method: clinical testing. Allele origin: germline.

CeGaT Center for Human Genetics Tuebingen
Classification: Uncertain significance. Last evaluated: 2018-02-01. Review status: criteria provided, single submitter. Criteria: CeGaT Center For Human Genetics Tuebingen Variant Classification Criteria Version 2. Collection method: clinical testing. Allele origin: germline. Affected: yes. Observed: 1 variant allele.

NM_201384.3(PLEC):c.2542G>A (p.Glu848Lys)

Gene: PLEC (plectin; minus strand). Cytogenetic location: 8q24.3.
Variant type: single nucleotide variant.
Coding change: c.2542G>A on transcript NM_201384.3 (MANE Select); coding-DNA position 2542, G replaced by A.
Protein change: p.Glu848Lys; replaces glutamic acid 848 with lysine.
Molecular consequence: missense variant.
Genome position (GRCh38, 1-based): chr8:143,930,214, C>T on the plus strand (G>A on the coding strand, the complement: PLEC is on the minus strand). VCF-style: chr8-143930214-C-T. GRCh37 (hg19) VCF-style: chr8-145004382-C-T.
Other names: c.2623G>A, p.Glu875Lys (NM_000445.5); c.2500G>A, p.Glu834Lys (NM_201378.4); c.2476G>A, p.Glu826Lys (NM_201379.3); c.2953G>A, p.Glu985Lys (NM_201380.4); c.2446G>A, p.Glu816Lys (NM_201381.3); c.2542G>A, p.Glu848Lys (NM_201382.4); c.2554G>A, p.Glu852Lys (NM_201383.3); c.2623G>A (NM_000445.3); short protein forms E826K, E834K, E852K, E848K, E875K, E816K, E985K.
Identifiers: ClinVar variation 569302 (VCV000569302.52), dbSNP rs781977174, ClinGen allele CA4927482.